The following is an entry in ClinVar:

NM_001374736.1(DST):c.19896+20T>C

Gene: DST (dystonin; minus strand). Cytogenetic location: 6p12.1.
Variant type: single nucleotide variant.
Coding change: c.19896+20T>C on transcript NM_001374736.1 (MANE Select); 20 bases into the intron after coding-DNA position 19896, T replaced by C.
Molecular consequence: intron variant.
Genome position (GRCh38, 1-based): chr6:56,501,060, A>G on the plus strand (T>C on the coding strand, the complement: DST is on the minus strand). VCF-style: chr6-56501060-A-G. GRCh37 (hg19) VCF-style: chr6-56365858-A-G.
Other names: c.13539+20T>C (NM_001144769.5); c.19896+20T>C (NM_001374722.1); c.19923+20T>C (NM_001374734.1); c.13125+20T>C (NM_001144770.2); c.12678+20T>C (NM_001374730.1); c.13005+20T>C (NM_001386100.1, NM_183380.4); c.18936+20T>C (NM_001374729.1); c.12027+20T>C (NM_015548.5).
Identifiers: ClinVar variation 2151076 (VCV002151076.2), dbSNP rs376615733, ClinGen allele CA3866892.

ClinVar aggregate classification (germline): Uncertain significance (1 of 4 stars; one submission).

Conditions:
Hereditary sensory and autonomic neuropathy type 6. Also called: HSAN VI; Neuropathy, hereditary sensory and autonomic, type VI. Identifiers: Orphanet 314381, MedGen C3539003, MONDO:0013839, OMIM 614653.
Epidermolysis bullosa simplex 3, localized or generalized intermediate, with BP230 deficiency (EBS3). Also called: Epidermolysis bullosa simplex due to BP230 deficiency; Epidermolysis bullosa simplex, autosomal recessive 2. Identifiers: Orphanet 412181, MedGen C3809470, MONDO:0014180, OMIM 615425.

Allele frequency attached by ClinVar (database versions not stated): gnomAD exomes 0.00001; TOPMed 0.00001; ExAC 0.00002; ESP Exome Variant Server 0.00008.

Submission:

Labcorp Genetics (formerly Invitae), Labcorp
Classification: Uncertain significance for Epidermolysis bullosa simplex 3, localized or generalized intermediate, with BP230 deficiency; Hereditary sensory and autonomic neuropathy type 6. Last evaluated: 2022-04-11. Review status: criteria provided, single submitter. Criteria: Invitae Variant Classification Sherloc (09022015). Collection method: clinical testing. Allele origin: germline.
Comment: The DST gene has multiple clinically relevant transcripts. This variant occurs in alternate transcript NM_015548.4, and corresponds to NM_001723.5:c.*114457T>C in the primary transcript. This sequence change falls in intron 61 of the DST gene. It does not directly change the encoded amino acid sequence of the DST protein. This variant is present in population databases (rs376615733, gnomAD 0.002%). This variant has not been reported in the literature in individuals affected with DST-related conditions. Experimental studies and prediction algorithms are not available or were not evaluated, and the effect of this variant on mRNA splicing is currently unknown. In summary, the available evidence is currently insufficient to determine the role of this variant in disease. Therefore, it has been classified as a Variant of Uncertain Significance.